The following is an entry in ClinVar:

ClinVar aggregate classification (germline): Uncertain significance. Review status: criteria provided, multiple submitters, no conflicts (2 of 4 stars). 2 submissions from 2 submitters: Uncertain significance (2). Last evaluated 2025-01-06.

Conditions:
Hereditary cancer-predisposing syndrome. Also called: Neoplastic Syndromes, Hereditary; Tumor predisposition; Hereditary neoplastic syndrome; Hereditary Cancer Syndrome. Identifiers: Orphanet 140162, MedGen C0027672, MeSH D009386, MONDO:0015356.
Cardiovascular phenotype. Identifiers: MedGen CN230736.

Allele frequency attached by ClinVar (database versions not stated): TOPMed below 0.00001.

Submissions (2):

Labcorp Genetics (formerly Invitae), Labcorp
Classification: Uncertain significance. Last evaluated: 2025-01-06. Review status: criteria provided, single submitter. Criteria: Invitae Variant Classification Sherloc (09022015). Collection method: clinical testing. Allele origin: germline.
Comment: This sequence change replaces tyrosine, which is neutral and polar, with asparagine, which is neutral and polar, at codon 535 of the LZTR1 protein (p.Tyr535Asn). This variant is not present in population databases (gnomAD no frequency). This variant has not been reported in the literature in individuals affected with LZTR1-related conditions. ClinVar contains an entry for this variant (Variation ID: 3238109). Invitae Evidence Modeling of protein sequence and biophysical properties (such as structural, functional, and spatial information, amino acid conservation, physicochemical variation, residue mobility, and thermodynamic stability) indicates that this missense variant is not expected to disrupt LZTR1 protein function with a negative predictive value of 80%. In summary, the available evidence is currently insufficient to determine the role of this variant in disease. Therefore, it has been classified as a Variant of Uncertain Significance.

Ambry Genetics
Classification: Uncertain significance for Cardiovascular phenotype; Hereditary cancer-predisposing syndrome. Last evaluated: 2023-09-01. Review status: criteria provided, single submitter. Criteria: Ambry Variant Classification Scheme 2023. Collection method: clinical testing. Allele origin: germline.
Comment: The p.Y535N variant (also known as c.1603T>A), located in coding exon 14 of the LZTR1 gene, results from a T to A substitution at nucleotide position 1603. The tyrosine at codon 535 is replaced by asparagine, an amino acid with dissimilar properties. This amino acid position is conserved. In addition, the in silico prediction for this alteration is inconclusive. Since supporting evidence is limited at this time, the clinical significance of this alteration remains unclear.

NM_006767.4(LZTR1):c.1603T>A (p.Tyr535Asn)

Gene: LZTR1 (leucine zipper like post translational regulator 1; plus strand). Cytogenetic location: 22q11.21.
Variant type: single nucleotide variant.
Coding change: c.1603T>A on transcript NM_006767.4 (MANE Select); coding-DNA position 1603, T replaced by A.
Protein change: p.Tyr535Asn; replaces tyrosine 535 with asparagine.
Molecular consequence: missense variant.
Genome position (GRCh38, 1-based): chr22:20,994,257, T>A. VCF-style: chr22-20994257-T-A. GRCh37 (hg19) VCF-style: chr22-21348546-T-A.
Other names: short protein forms Y535N.
Identifiers: ClinVar variation 3238109 (VCV003238109.3), dbSNP rs1924726358.